The following is an entry in ClinVar:

NM_000051.4(ATM):c.9151G>C (p.Gly3051Arg)

Genes: C11orf65 (chromosome 11 open reading frame 65; minus strand), ATM (ATM serine/threonine kinase; plus strand). Cytogenetic location: 11q22.3.
Variant type: single nucleotide variant.
Coding change: c.9151G>C on transcript NM_000051.4 (MANE Select); coding-DNA position 9151, G replaced by C.
Protein change: p.Gly3051Arg; replaces glycine 3051 with arginine.
Molecular consequence: missense variant. On other transcripts: intron variant (2).
Genome position (GRCh38, 1-based): chr11:108,365,488, G>C. VCF-style: chr11-108365488-G-C. GRCh37 (hg19) VCF-style: chr11-108236215-G-C.
Other names: p.G3051R:GGA>CGA; c.9151G>C, p.Gly3051Arg (NM_001351834.2); c.640+20432C>G (NM_001330368.2); c.694+20432C>G (NM_001351110.2); short protein forms G3051R.
Identifiers: ClinVar variation 181907 (VCV000181907.9), dbSNP rs730881332, ClinGen allele CA298105.

ClinVar aggregate classification (germline): Uncertain significance. Review status: criteria provided, multiple submitters, no conflicts (2 of 4 stars). 4 submissions from 4 submitters: Uncertain significance (4). Last evaluated 2025-02-27.

Conditions:
ATM-related disorder. Also called: ATM-related disorders; ATM-related condition.
Hereditary cancer-predisposing syndrome. Also called: Hereditary Cancer Syndrome; Tumor predisposition; Neoplastic Syndromes, Hereditary; Hereditary neoplastic syndrome. Identifiers: Orphanet 140162, MedGen C0027672, MeSH D009386, MONDO:0015356.
Ataxia-telangiectasia syndrome (AT). Also called: ATAXIA-TELANGIECTASIA, COMPLEMENTATION GROUP A; ATAXIA-TELANGIECTASIA, FRESNO VARIANT; Ataxia-telangiectasia; Ataxia-telangiectasia, complementation group E; Cerebello-oculocutaneous telangiectasia; Immunodeficiency with ataxia telangiectasia. Identifiers: Orphanet 100, MedGen C0004135, MONDO:0008840, OMIM 208900.

Submissions (4):

Labcorp Genetics (formerly Invitae), Labcorp
Classification: Uncertain significance for Ataxia-telangiectasia syndrome. Last evaluated: 2025-02-27. Review status: criteria provided, single submitter. Criteria: Invitae Variant Classification Sherloc (09022015). Collection method: clinical testing. Allele origin: germline.
Comment: This sequence change replaces glycine, which is neutral and non-polar, with arginine, which is basic and polar, at codon 3051 of the ATM protein (p.Gly3051Arg). This variant is not present in population databases (gnomAD no frequency). This variant has not been reported in the literature in individuals affected with ATM-related conditions. ClinVar contains an entry for this variant (Variation ID: 181907). Invitae Evidence Modeling of protein sequence and biophysical properties (such as structural, functional, and spatial information, amino acid conservation, physicochemical variation, residue mobility, and thermodynamic stability) indicates that this missense variant is expected to disrupt ATM protein function with a positive predictive value of 95%. In summary, the available evidence is currently insufficient to determine the role of this variant in disease. Therefore, it has been classified as a Variant of Uncertain Significance.

PreventionGenetics, part of Exact Sciences
Classification: Uncertain significance for ATM-related condition. Last evaluated: 2022-11-03. Review status: criteria provided, single submitter. Criteria: ACMG Guidelines, 2015. Collection method: clinical testing. Allele origin: germline.
Comment: The ATM c.9151G>C variant is predicted to result in the amino acid substitution p.Gly3051Arg. To our knowledge, this variant has not been reported in the literature or in a large population database, indicating this variant is rare. In ClinVar, this variant has been interpreted as uncertain. At this time, the clinical significance of this variant is uncertain due to the absence of conclusive functional and genetic evidence.

Ambry Genetics
Classification: Uncertain significance for Hereditary cancer-predisposing syndrome. Last evaluated: 2019-02-25. Review status: criteria provided, single submitter. Criteria: Ambry Variant Classification Scheme 2023. Collection method: clinical testing. Allele origin: germline.
Comment: The p.G3051R variant (also known as c.9151G>C), located in coding exon 62 of the ATM gene, results from a G to C substitution at nucleotide position 9151. The glycine at codon 3051 is replaced by arginine, an amino acid with dissimilar properties. This amino acid position is highly conserved in available vertebrate species. In addition, this alteration is predicted to be deleterious by in silico analysis. Since supporting evidence is limited at this time, the clinical significance of this alteration remains unclear.

GeneDx
Classification: Uncertain significance. Last evaluated: 2014-08-27. Review status: criteria provided, single submitter. Criteria: GeneDx Variant Classification (06012015). Collection method: clinical testing. Allele origin: germline. Affected: yes.
Comment: This variant is denoted ATM c.9151G>C at the cDNA level, p.Gly3051Arg (G3051R) at the protein level, and results in the change of a Glycine to an Arginine (GGA>CGA). This variant has not, to our knowledge, been published in the literature as pathogenic or benign. ATM Gly3051Arg was not observed in approximately 6,500 individuals of European and African American ancestry in the NHLBI Exome Sequencing Project, indicating it is not a common benign variant in these populations. Since Glycine and Arginine differ in polarity, charge, size or other properties, this is considered a non-conservative amino acid substitution. ATM Gly3051Arg occurs at a position that is highly conserved across species and is located in the FATC domain (UniProt). In silico analyses predict that this variant is probably damaging to protein structure and function. Based on currently available information, it is unclear whether ATM Gly3051Arg is pathogenic or benign. We consider it to be a variant of uncertain significance.